The following is an entry in ClinVar:

ClinVar aggregate classification (germline): Benign/Likely benign. Review status: criteria provided, multiple submitters, no conflicts (2 of 4 stars). 2 submissions from 2 submitters: Benign (1); Likely benign (1). Last evaluated 2024-05-13.

Conditions:
Hereditary cancer-predisposing syndrome. Also called: Neoplastic Syndromes, Hereditary; Tumor predisposition; Hereditary Cancer Syndrome; Hereditary neoplastic syndrome. Identifiers: Orphanet 140162, MedGen C0027672, MeSH D009386, MONDO:0015356.
Familial cancer of breast. Also called: BREAST CANCER, FAMILIAL; Hereditary breast cancer; hereditary breast carcinoma. Identifiers: Orphanet 227535, MedGen C0346153, MONDO:0016419, OMIM 114480. Disease mechanism: loss of function.

Submissions (2):

Myriad Genetics, Inc.
Classification: Benign for Familial cancer of breast. Last evaluated: 2024-05-13. Review status: criteria provided, single submitter. Criteria: Myriad Autosomal Dominant, Autosomal Recessive and X-Linked Classification Criteria (2023). Collection method: clinical testing. Allele origin: unknown.
Comment: This variant is considered benign. This variant is a silent/synonymous amino acid change and it is not expected to impact splicing.

Ambry Genetics
Classification: Likely benign for Hereditary cancer-predisposing syndrome. Last evaluated: 2015-11-25. Review status: criteria provided, single submitter. Criteria: Ambry Variant Classification Scheme 2023. Collection method: clinical testing. Allele origin: germline.

NM_000051.4(ATM):c.3001C>T (p.Leu1001=)

Gene: ATM (ATM serine/threonine kinase; plus strand). Cytogenetic location: 11q22.3.
Variant type: single nucleotide variant.
Coding change: c.3001C>T on transcript NM_000051.4 (MANE Select); coding-DNA position 3001, C replaced by T.
Protein change: p.Leu1001=; no amino-acid change (leucine 1001 retained).
Molecular consequence: synonymous variant.
Genome position (GRCh38, 1-based): chr11:108,271,330, C>T. VCF-style: chr11-108271330-C-T. GRCh37 (hg19) VCF-style: chr11-108142057-C-T.
Other names: c.3001C>T, p.Leu1001= (NM_001351834.2).
Identifiers: ClinVar variation 1798704 (VCV001798704.3), dbSNP rs377244521, ClinGen allele CA476674316.